The following is an entry in ClinVar:

ClinVar aggregate classification (germline): Uncertain significance. Review status: criteria provided, multiple submitters, no conflicts (2 of 4 stars). 2 submissions from 2 submitters: Uncertain significance (2). Last evaluated 2024-08-17.

Conditions:
Diabetes insipidus, nephrogenic, X-linked. Also called: Nephrogenic Diabetes Insipidus, Type I. Identifiers: Orphanet 223, MedGen C1563705, MONDO:0010581, OMIM 304800.
Nephrogenic syndrome of inappropriate antidiuresis (NSIAD). Identifiers: Orphanet 93606, MedGen C1845202, MONDO:0010356, OMIM 300539.

Submissions (2):

Labcorp Genetics (formerly Invitae), Labcorp
Classification: Uncertain significance. Last evaluated: 2024-08-17. Review status: criteria provided, single submitter. Criteria: Invitae Variant Classification Sherloc (09022015). Collection method: clinical testing. Allele origin: germline.
Comment: This sequence change replaces arginine, which is basic and polar, with glutamine, which is neutral and polar, at codon 67 of the AVPR2 protein (p.Arg67Gln). The frequency data for this variant in the population databases is considered unreliable, as metrics indicate poor data quality at this position in the gnomAD database. This variant has not been reported in the literature in individuals affected with AVPR2-related conditions. Invitae Evidence Modeling of protein sequence and biophysical properties (such as structural, functional, and spatial information, amino acid conservation, physicochemical variation, residue mobility, and thermodynamic stability) indicates that this missense variant is not expected to disrupt AVPR2 protein function with a negative predictive value of 80%. In summary, the available evidence is currently insufficient to determine the role of this variant in disease. Therefore, it has been classified as a Variant of Uncertain Significance.

Fulgent Genetics
Classification: Uncertain significance for Nephrogenic syndrome of inappropriate antidiuresis; Diabetes insipidus, nephrogenic, X-linked. Last evaluated: 2024-01-09. Review status: criteria provided, single submitter. Criteria: ACMG Guidelines, 2015. Collection method: clinical testing. Allele origin: germline.

NM_000054.7(AVPR2):c.200G>A (p.Arg67Gln)

Gene: AVPR2 (arginine vasopressin receptor 2; plus strand). Cytogenetic location: Xq28.
Variant type: single nucleotide variant.
Coding change: c.200G>A on transcript NM_000054.7 (MANE Select); coding-DNA position 200, G replaced by A.
Protein change: p.Arg67Gln; replaces arginine 67 with glutamine.
Molecular consequence: missense variant.
Genome position (GRCh38, 1-based): chrX:153,905,706, G>A. VCF-style: chrX-153905706-G-A. GRCh37 (hg19) VCF-style: chrX-153171160-G-A.
Other names: c.200G>A, p.Arg67Gln (NM_001146151.3); c.200G>A (NM_000054.6); short protein forms R67Q.
Identifiers: ClinVar variation 3598164 (VCV003598164.2).